The following is an entry in ClinVar:

NM_021076.4(NEFH):c.235A>T (p.Thr79Ser)

Gene: NEFH (neurofilament heavy chain; plus strand). Cytogenetic location: 22q12.2.
Variant type: single nucleotide variant.
Coding change: c.235A>T on transcript NM_021076.4 (MANE Select); coding-DNA position 235, A replaced by T.
Protein change: p.Thr79Ser; replaces threonine 79 with serine.
Molecular consequence: missense variant.
Genome position (GRCh38, 1-based): chr22:29,480,497, A>T. VCF-style: chr22-29480497-A-T. GRCh37 (hg19) VCF-style: chr22-29876486-A-T.
Other names: short protein forms T79S.
Identifiers: ClinVar variation 1937706 (VCV001937706.5), dbSNP rs1391724274, ClinGen allele CA411122132.

ClinVar aggregate classification (germline): Uncertain significance (1 of 4 stars; one submission).

Allele frequency attached by ClinVar (database versions not stated): gnomAD exomes below 0.00001.
gnomAD v4.1: 2 of 1,534,064 alleles (0.00013%); highest among the groups gnomAD compares: Admixed American, 0.002%; no homozygotes.

Submission:

Labcorp Genetics (formerly Invitae), Labcorp
Classification: Uncertain significance. Last evaluated: 2022-03-18. Review status: criteria provided, single submitter. Criteria: Invitae Variant Classification Sherloc (09022015). Collection method: clinical testing. Allele origin: germline.
Comment: This sequence change replaces threonine, which is neutral and polar, with serine, which is neutral and polar, at codon 79 of the NEFH protein (p.Thr79Ser). This variant is not present in population databases (gnomAD no frequency). This variant has not been reported in the literature in individuals affected with NEFH-related conditions. Advanced modeling of protein sequence and biophysical properties (such as structural, functional, and spatial information, amino acid conservation, physicochemical variation, residue mobility, and thermodynamic stability) performed at Invitae indicates that this missense variant is not expected to disrupt NEFH protein function. In summary, the available evidence is currently insufficient to determine the role of this variant in disease. Therefore, it has been classified as a Variant of Uncertain Significance.